The following is an entry in ClinVar:

ClinVar aggregate classification (germline): Conflicting classifications of pathogenicity. Review status: criteria provided, conflicting classifications (1 of 4 stars). 3 submissions from 3 submitters: Uncertain significance (1); Likely benign (2). Last evaluated 2024-01-18.

Conditions:
Autosomal recessive limb-girdle muscular dystrophy type 2X (LGMDR25). Also called: Muscular dystrophy, limb-girdle, type 2X. Identifiers: Orphanet 476084, MedGen C5568138, MONDO:0014782, OMIM 616812.

Allele frequency attached by ClinVar (database versions not stated): gnomAD 0.00015 and 0.00016; gnomAD exomes 0.00023 and 0.00056; TOPMed 0.00036; ESP Exome Variant Server 0.00038; ExAC 0.00067.
gnomAD v4.1: 370 of 1,612,334 alleles (0.023%); highest among the groups gnomAD compares: Middle Eastern, 0.2%; 3 homozygotes.

Submissions (3):

Revvity Omics, Revvity
Classification: Likely benign for Autosomal recessive limb-girdle muscular dystrophy type 2X. Last evaluated: 2024-01-18. Review status: criteria provided, single submitter. Criteria: ACMG Guidelines, 2015. Collection method: clinical testing. Allele origin: germline.

Mayo Clinic Laboratories, Mayo Clinic
Classification: Uncertain significance. Last evaluated: 2022-06-14. Review status: criteria provided, single submitter. Criteria: ACMG Guidelines, 2015. Collection method: clinical testing. Allele origin: germline. Observed: 1 variant allele.
Comment: BP4

Labcorp Genetics (formerly Invitae), Labcorp
Classification: Likely benign. Last evaluated: 2019-12-31. Review status: criteria provided, single submitter. Criteria: Invitae Variant Classification Sherloc (09022015). Collection method: clinical testing. Allele origin: germline.

NM_001199563.2(POPDC1):c.574A>G (p.Asn192Asp)

Gene: POPDC1 (popeye domain cAMP effector 1; minus strand). Cytogenetic location: 6q21.
Variant type: single nucleotide variant.
Coding change: c.574A>G on transcript NM_001199563.2 (MANE Select); coding-DNA position 574, A replaced by G.
Protein change: p.Asn192Asp; replaces asparagine 192 with aspartic acid.
Molecular consequence: missense variant.
Genome position (GRCh38, 1-based): chr6:105,124,621, T>C on the plus strand (A>G on the coding strand, the complement: POPDC1 is on the minus strand). VCF-style: chr6-105124621-T-C. GRCh37 (hg19) VCF-style: chr6-105572496-T-C.
Other names: p.Asn192Asp; c.574A>G, p.Asn192Asp (NM_147147.4, NM_007073.4); short protein forms N192D.
Identifiers: ClinVar variation 731903 (VCV000731903.8), dbSNP rs145098126, ClinGen allele CA3941017.